The following is an entry in ClinVar:

ClinVar aggregate classification (germline): Likely pathogenic (1 of 4 stars; one submission).

Conditions:
beta Thalassemia (BTHAL). Also called: Cooley's anemia; Erythroblastic anemia; Mediterranean anemia. Identifiers: Orphanet 848, MedGen C0005283, MONDO:0019402. Disease mechanism: loss of function.

Submission:

Natera, Inc.
Classification: Likely pathogenic for Beta thalassemia. Last evaluated: 2025-11-21. Review status: criteria provided, single submitter. Criteria: Natera Variant Classification Schema (03/2026). Collection method: clinical testing. Allele origin: germline.
Comment: The c.275del variant in HBB is a frameshift variant predicted to elongate the protein beyond the termination codon. This variant is expected to result in nonsense mediated decay, truncation, or a dysfunctional protein product. This variant is rare in the general population with a frequency below the threshold expected for the associated phenotype(s). This variant has been observed in affected individual(s) with monoallelic occurrence (heterozygous/hemizygous) (PMID: 16189162). Additionally, this variant has been observed to segregate in affected family members (PMID: 16189162). Given the available evidence, this variant is classified as Likely Pathogenic.

Literature cited by the submitters: PubMed 16189162.

NM_000518.5(HBB):c.275del (p.Leu92fs)

Genes: HBB (hemoglobin subunit beta; minus strand), LOC106099062 (HBB recombination region; plus strand), LOC107133510 (origin of replication at HBB; plus strand). Cytogenetic location: 11p15.4.
Variant type: Deletion.
Coding change: c.275del on transcript NM_000518.5 (MANE Select); coding-DNA position 275, one base deleted (T; older notation c.275delT).
Protein change: p.Leu92fs; shifts the reading frame from leucine 92.
Molecular consequence: frameshift variant.
Genome position (GRCh38, 1-based): chr11:5,226,617, A deleted on the plus strand (T on the coding strand, the reverse complement: HBB is on the minus strand). VCF-style (leftmost placement, unchanged base first): chr11-5226616-CA-C. GRCh37 (hg19) VCF-style: chr11-5247846-CA-C.
Other names: short protein forms L92fs.
Identifiers: ClinVar variation 4818702 (VCV004818702.1).